The following is an entry in ClinVar:

NM_003482.4(KMT2D):c.350A>G (p.Gln117Arg)

Gene: KMT2D (lysine methyltransferase 2D; minus strand). Cytogenetic location: 12q13.12.
Variant type: single nucleotide variant.
Coding change: c.350A>G on transcript NM_003482.4 (MANE Select); coding-DNA position 350, A replaced by G.
Protein change: p.Gln117Arg; replaces glutamine 117 with arginine.
Molecular consequence: missense variant.
Genome position (GRCh38, 1-based): chr12:49,054,578, T>C on the plus strand (A>G on the coding strand, the complement: KMT2D is on the minus strand). VCF-style: chr12-49054578-T-C. GRCh37 (hg19) VCF-style: chr12-49448361-T-C.
Other names: short protein forms Q117R.
Identifiers: ClinVar variation 4882869 (VCV004882869.2).

ClinVar aggregate classification (germline): Uncertain significance (1 of 4 stars; one submission).

Conditions:
Kabuki syndrome 1 (KABUK1). Also called: KMT2D-Related Kabuki Syndrome. Identifiers: Orphanet 2322, MedGen CN030661, MONDO:0007843, OMIM 147920.

gnomAD v4.1: 3 of 1,613,210 alleles (0.00019%); highest among the groups gnomAD compares: Non-Finnish European, 0.00025%; no homozygotes.

Submission:

Dasa
Classification: Uncertain significance for Kabuki syndrome 1. Last evaluated: 2025-11-12. Review status: criteria provided, single submitter. Criteria: DASA Assertion Criteria. Collection method: clinical testing. Allele origin: germline.
Comment: NM_003482.4(KMT2D):c.350A>G (p.Gln117Arg) is a missense variant that results in the substitution of glutamine with arginine. This variant is rare in population databases. The currently available literature and clinical evidence are not sufficient to establish a definitive association between this variant and the reported condition. Therefore, this variant is classified as a variant of uncertain significance.